The following is an entry in ClinVar:

NM_000179.3(MSH6):c.3230del (p.Pro1077fs)

Gene: MSH6 (mutS homolog 6; plus strand). Cytogenetic location: 2p16.3.
Variant type: Deletion.
Coding change: c.3230del on transcript NM_000179.3 (MANE Select); coding-DNA position 3230, one base deleted (C; older notation c.3230delC).
Protein change: p.Pro1077fs; shifts the reading frame from proline 1077.
Molecular consequence: frameshift variant. On other transcripts: non-coding transcript variant (5), intron variant (1).
Genome position (GRCh38, 1-based): chr2:47,803,477, C deleted; the last of 3 consecutive C bases (chr2:47,803,475-47,803,477); deleting any one gives the same sequence. VCF-style (leftmost placement, unchanged base first): chr2-47803474-GC-G. GRCh37 (hg19) VCF-style: chr2-48030613-GC-G.
Other names: c.2840del, p.Pro947fs (NM_001281492.2); c.2324del, p.Pro775fs (NM_001281493.2, NM_001281494.2, NM_001406811.1 and 6 more transcripts); c.3326del, p.Pro1109fs (NM_001406795.1, NM_001406802.1); c.3230del, p.Pro1077fs (NM_001406796.1, NM_001406800.1, NM_001406808.1 and 1 more transcripts); c.2933del, p.Pro978fs (NM_001406797.1, NM_001406801.1, NM_001406805.1 and 10 more transcripts); c.2705del, p.Pro902fs (NM_001406799.1, NM_001406806.1, NM_001406807.1); c.2366del, p.Pro789fs (NM_001406803.1); c.3152del, p.Pro1051fs (NM_001406804.1); and 7 more; short protein forms P1109fs, P26fs, P1051fs, P4fs, P775fs, P978fs, P392fs, P789fs.
Identifiers: ClinVar variation 3639628 (VCV003639628.2).

ClinVar aggregate classification (germline): Pathogenic (1 of 4 stars; one submission).

Conditions:
Hereditary nonpolyposis colorectal neoplasms. Identifiers: MedGen C0009405, MeSH D003123.

Submission:

Labcorp Genetics (formerly Invitae), Labcorp
Classification: Pathogenic for Hereditary nonpolyposis colorectal neoplasms. Last evaluated: 2024-03-16. Review status: criteria provided, single submitter. Criteria: Invitae Variant Classification Sherloc (09022015). Collection method: clinical testing. Allele origin: germline.
Comment: This sequence change creates a premature translational stop signal (p.Pro1077Glnfs*2) in the MSH6 gene. It is expected to result in an absent or disrupted protein product. Loss-of-function variants in MSH6 are known to be pathogenic (PMID: 18269114, 24362816). This variant is not present in population databases (gnomAD no frequency). This variant has not been reported in the literature in individuals affected with MSH6-related conditions. For these reasons, this variant has been classified as Pathogenic.

Literature cited by the submitters: PubMed 18269114; PubMed 24362816.